The following is an entry in ClinVar:

ClinVar aggregate classification (germline): Uncertain significance. Review status: criteria provided, multiple submitters, no conflicts (2 of 4 stars). 8 submissions from 8 submitters: Uncertain significance (8). Last evaluated 2025-10-21.

Conditions:
Hereditary glaucoma, primary closed-angle. Also called: Glaucoma, primary closed-angle. Identifiers: MedGen C5394374, MONDO:0030038, OMIM 618880.
Knobloch syndrome 1 (KNO1). Identifiers: MedGen C4551775, MONDO:0800167, OMIM 267750.
Knobloch syndrome (KNO). Also called: RETINAL DETACHMENT AND OCCIPITAL ENCEPHALOCELE; Myopia retinal detachment encephalocele. Identifiers: Orphanet 1571, MedGen C1849409, MONDO:0800166.
COL18A1-related disorder. Also called: COL18A1-related condition; COL18A1-related disorders.
Inborn genetic diseases. Identifiers: MedGen C0950123, MeSH D030342.

Allele frequency attached by ClinVar (database versions not stated): gnomAD exomes 0.00005; ExAC 0.00007; gnomAD 0.00011 and 0.00014; TOPMed 0.00013; ESP Exome Variant Server 0.00033.

Submissions (8):

PreventionGenetics, part of Exact Sciences
Classification: Uncertain significance for COL18A1-related condition. Last evaluated: 2025-10-21. Review status: criteria provided, single submitter. Criteria: ACMG Guidelines, 2015. Collection method: clinical testing. Allele origin: germline.
Comment: The COL18A1 c.1153G>A variant is predicted to result in the amino acid substitution p.Val385Met. To our knowledge, this variant has not been reported in the literature. This variant is present in 0.010% of alleles in individuals of European (Non-Finnish) descent in gnomAD. At this time, the clinical significance of this variant is uncertain due to the absence of conclusive functional and genetic evidence.

Ambry Genetics
Classification: Uncertain significance for Inborn genetic diseases. Last evaluated: 2025-02-01. Review status: criteria provided, single submitter. Criteria: Ambry Variant Classification Scheme 2023. Collection method: clinical testing. Allele origin: germline.

Labcorp Genetics (formerly Invitae), Labcorp
Classification: Uncertain significance. Last evaluated: 2023-12-06. Review status: criteria provided, single submitter. Criteria: Invitae Variant Classification Sherloc (09022015). Collection method: clinical testing. Allele origin: germline.
Comment: This sequence change replaces valine, which is neutral and non-polar, with methionine, which is neutral and non-polar, at codon 205 of the COL18A1 protein (p.Val205Met). This variant is present in population databases (rs201116208, gnomAD 0.01%). This variant has not been reported in the literature in individuals affected with COL18A1-related conditions. ClinVar contains an entry for this variant (Variation ID: 340197). Experimental studies and prediction algorithms are not available or were not evaluated, and the functional significance of this variant is currently unknown. In summary, the available evidence is currently insufficient to determine the role of this variant in disease. Therefore, it has been classified as a Variant of Uncertain Significance.

Blueprint Genetics
Classification: Uncertain significance. Last evaluated: 2023-07-06. Review status: criteria provided, single submitter. Criteria: ACMG Guidelines, 2015. Collection method: clinical testing. Allele origin: germline.

GeneDx
Classification: Uncertain significance. Last evaluated: 2022-03-10. Review status: criteria provided, single submitter. Criteria: GeneDx Variant Classification Process June 2021. Collection method: clinical testing. Allele origin: germline. Affected: yes.
Comment: In silico analysis supports that this missense variant does not alter protein structure/function; Has not been previously published as pathogenic or benign to our knowledge

Fulgent Genetics
Classification: Uncertain significance for Knobloch syndrome 1; Hereditary glaucoma, primary closed-angle. Last evaluated: 2021-10-21. Review status: criteria provided, single submitter. Criteria: ACMG Guidelines, 2015. Collection method: clinical testing. Allele origin: unknown.

Revvity Omics, Revvity
Classification: Uncertain significance. Last evaluated: 2019-04-08. Review status: criteria provided, single submitter. Criteria: ACMG Guidelines, 2015. Collection method: clinical testing. Allele origin: germline.

Illumina Laboratory Services, Illumina
Classification: Uncertain significance for Knobloch syndrome 1. Last evaluated: 2018-01-12. Review status: criteria provided, single submitter. Criteria: ICSL Variant Classification Criteria 13 December 2019. Collection method: clinical testing. Allele origin: germline.

NM_001379500.1(COL18A1):c.613G>A (p.Val205Met)

Gene: COL18A1 (collagen type XVIII alpha 1 chain; plus strand). Cytogenetic location: 21q22.3.
Variant type: single nucleotide variant.
Coding change: c.613G>A on transcript NM_001379500.1 (MANE Select); coding-DNA position 613, G replaced by A.
Protein change: p.Val205Met; replaces valine 205 with methionine.
Molecular consequence: missense variant.
Genome position (GRCh38, 1-based): chr21:45,468,748, G>A. VCF-style: chr21-45468748-G-A. GRCh37 (hg19) VCF-style: chr21-46888662-G-A.
Other names: NM_130445.2:c.613G>A; NM_130445.4:c.613G>A; c.1153G>A, p.Val385Met (NM_030582.4); c.1858G>A, p.Val620Met (NM_130444.3); c.1153G>A (NM_030582.3); short protein forms V385M, V620M.
Identifiers: ClinVar variation 340197 (VCV000340197.14), dbSNP rs201116208, ClinGen allele CA10065799.